The following is an entry in ClinVar:

ClinVar aggregate classification (germline): Uncertain significance. Review status: criteria provided, multiple submitters, no conflicts (2 of 4 stars). 2 submissions from 2 submitters: Uncertain significance (2). Last evaluated 2024-03-11.

Conditions:
Hereditary cancer-predisposing syndrome. Also called: Neoplastic Syndromes, Hereditary; Hereditary Cancer Syndrome; Tumor predisposition; Hereditary neoplastic syndrome. Identifiers: Orphanet 140162, MedGen C0027672, MeSH D009386, MONDO:0015356.
Rhabdoid tumor predisposition syndrome 2 (RTPS2). Identifiers: Orphanet 231108, Orphanet 69077, MedGen C2750074, MONDO:0013224, OMIM 613325.

Submissions (2):

Ambry Genetics
Classification: Uncertain significance for Hereditary cancer-predisposing syndrome. Last evaluated: 2024-03-11. Review status: criteria provided, single submitter. Criteria: Ambry Variant Classification Scheme 2023. Collection method: clinical testing. Allele origin: germline.
Comment: The p.K997R variant (also known as c.2990A>G), located in coding exon 20 of the SMARCA4 gene, results from an A to G substitution at nucleotide position 2990. The lysine at codon 997 is replaced by arginine, an amino acid with highly similar properties. This amino acid position is highly conserved in available vertebrate species. In addition, the in silico prediction for this alteration is inconclusive. Based on the available evidence, the clinical significance of this alteration remains unclear.

Labcorp Genetics (formerly Invitae), Labcorp
Classification: Uncertain significance for Rhabdoid tumor predisposition syndrome 2. Last evaluated: 2023-04-06. Review status: criteria provided, single submitter. Criteria: Invitae Variant Classification Sherloc (09022015). Collection method: clinical testing. Allele origin: germline.
Comment: This sequence change replaces lysine, which is basic and polar, with arginine, which is basic and polar, at codon 997 of the SMARCA4 protein (p.Lys997Arg). This variant is not present in population databases (gnomAD no frequency). This variant has not been reported in the literature in individuals affected with SMARCA4-related conditions. Advanced modeling of protein sequence and biophysical properties (such as structural, functional, and spatial information, amino acid conservation, physicochemical variation, residue mobility, and thermodynamic stability) has been performed at Invitae for this missense variant, however the output from this modeling did not meet the statistical confidence thresholds required to predict the impact of this variant on SMARCA4 protein function. In summary, the available evidence is currently insufficient to determine the role of this variant in disease. Therefore, it has been classified as a Variant of Uncertain Significance.

NM_003072.5(SMARCA4):c.2990A>G (p.Lys997Arg)

Gene: SMARCA4 (SWI/SNF related BAF chromatin remodeling complex subunit ATPase 4; plus strand). Cytogenetic location: 19p13.2.
Variant type: single nucleotide variant.
Coding change: c.2990A>G on transcript NM_003072.5 (MANE Select); coding-DNA position 2990, A replaced by G.
Protein change: p.Lys997Arg; replaces lysine 997 with arginine.
Molecular consequence: missense variant. On other transcripts: non-coding transcript variant (1).
Genome position (GRCh38, 1-based): chr19:11,024,347, A>G. VCF-style: chr19-11024347-A-G. GRCh37 (hg19) VCF-style: chr19-11135023-A-G.
Other names: c.2990A>G (NM_001128849.1); c.2990A>G, p.Lys997Arg (NM_001128844.3, NM_001128845.2, NM_001128846.2 and 6 more transcripts); short protein forms K997R.
Identifiers: ClinVar variation 2852293 (VCV002852293.4), dbSNP rs2146472418, ClinGen allele CA404058813.
Genomic context (GRCh38, chr19:11,024,347, plus strand): 5'-TCAAGCCACCTTGGGCCCTCGTGAGCATTATGTGTCCCCTGCAGGTGGAGTACGTCATCA[A>G]GTGCGACATGTCTGCGCTGCAGCGAGTGCTCTACCGCCACATGCAGGCCAAGGGCGTGCT-3'
Protein context (NP_003063.2, residues 987-1007): QLPEKVEYVI[Lys997Arg]CDMSALQRVL